The following is an entry in ClinVar:

NM_001009931.3(HRNR):c.5223T>C (p.Arg1741=)

Genes: CCDST (cervical cancer associated DHX9 suppressive transcript; plus strand), HRNR (hornerin; minus strand). Cytogenetic location: 1q21.3.
Variant type: single nucleotide variant.
Coding change: c.5223T>C on transcript NM_001009931.3 (MANE Select); coding-DNA position 5223, T replaced by C.
Protein change: p.Arg1741=; no amino-acid change (arginine 1741 retained).
Molecular consequence: synonymous variant.
Genome position (GRCh38, 1-based): chr1:152,216,406, A>G on the plus strand (T>C on the coding strand, the complement: HRNR is on the minus strand). VCF-style: chr1-152216406-A-G. GRCh37 (hg19) VCF-style: chr1-152188882-A-G.
Identifiers: ClinVar variation 4281016 (VCV004281016.7).

ClinVar aggregate classification (germline): Likely benign (1 of 4 stars; one submission).

Submission:

CeGaT Center for Human Genetics Tuebingen
Classification: Likely benign. Last evaluated: 2025-09-01. Review status: criteria provided, single submitter. Criteria: CeGaT Center For Human Genetics Tuebingen Variant Classification Criteria Version 2. Collection method: clinical testing. Allele origin: germline. Affected: yes. Observed: 1 variant allele.
Comment: HRNR: PM2:Supporting, BP4, BP7